The following is an entry in ClinVar:

NM_002294.3(LAMP2):c.*486A>G

Gene: LAMP2 (lysosome associated membrane protein 2; minus strand). Cytogenetic location: Xq24.
Variant type: single nucleotide variant.
Coding change: c.*486A>G on transcript NM_002294.3 (MANE Select); 486 bases downstream of the stop codon, A replaced by G.
Molecular consequence: 3 prime UTR variant. On other transcripts: intron variant (1).
Genome position (GRCh38, 1-based): chrX:120,430,837, T>C on the plus strand (A>G on the coding strand, the complement: LAMP2 is on the minus strand). VCF-style: chrX-120430837-T-C. GRCh37 (hg19) VCF-style: chrX-119564692-T-C.
Other names: c.1094-2211A>G (NM_001122606.1).
Identifiers: ClinVar variation 367781 (VCV000367781.9), dbSNP rs5957383, ClinGen allele CA10653752.
Genomic context (GRCh38, chrX:120,430,837, plus strand): 5'-GATGGTCCTGAGGACATTCTCTACTTCATTCAACTGAAAACCAAGTTTAAGCATATCTGA[T>C]GGGCATTTATACCACATCAATATTTATTTAATGAACTTTATGCAAAGGCACATTGATGAG-3'

ClinVar aggregate classification (germline): Benign/Likely benign. Review status: criteria provided, multiple submitters, no conflicts (2 of 4 stars). 3 submissions from 3 submitters: Benign (2); Likely benign (1). Last evaluated 2021-05-26.

Conditions:
Danon disease. Also called: ANTOPOL DISEASE; PSEUDOGLYCOGENOSIS II; GSD IIb; LYSOSOMAL GLYCOGEN STORAGE DISEASE WITHOUT ACID MALTASE DEFICIENCY; Glycogen Storage Disease Type IIb. Identifiers: Orphanet 34587, MedGen C0878677, MONDO:0010281, OMIM 300257.

Allele frequency attached by ClinVar (database versions not stated): gnomAD exomes 0.00749; gnomAD 0.09155 and 0.09784; 1000 Genomes Project 0.10040; 1000 Genomes Project 30x 0.10364; TOPMed 0.10598.

Submissions (3):

GeneDx
Classification: Benign. Last evaluated: 2021-05-26. Review status: criteria provided, single submitter. Criteria: GeneDx Variant Classification Process June 2021. Collection method: clinical testing. Allele origin: germline. Affected: yes.

Illumina Laboratory Services, Illumina
Classification: Benign for Danon disease. Last evaluated: 2018-01-13. Review status: criteria provided, single submitter. Criteria: ICSL Variant Classification Criteria 13 December 2019. Collection method: clinical testing. Allele origin: germline.
Comment: This variant was observed in the ICSL laboratory as part of a predisposition screen in an ostensibly healthy population. It had not been previously curated by ICSL or reported in the Human Gene Mutation Database (HGMD: prior to June 1st, 2018), and was therefore a candidate for classification through an automated scoring system. Utilizing variant allele frequency, disease prevalence and penetrance estimates, and inheritance mode, an automated score was calculated to assess if this variant is too frequent to cause the disease. Based on the score and internal cut-off values, a variant classified as benign is not then subjected to further curation. The score for this variant resulted in a classification of benign for this disease.

Breakthrough Genomics
Classification: Likely benign. Review status: criteria provided, single submitter. Criteria: ACMG Guidelines, 2015. Collection method: not provided. Allele origin: germline. Inheritance: X-linked inheritance. Affected: yes.